The following is an entry in ClinVar:

NM_198053.3(CD247):c.28G>T (p.Ala10Ser)

Gene: CD247 (CD247 molecule; minus strand). Cytogenetic location: 1q24.2.
Variant type: single nucleotide variant.
Coding change: c.28G>T on transcript NM_198053.3 (MANE Select); coding-DNA position 28, G replaced by T.
Protein change: p.Ala10Ser; replaces alanine 10 with serine.
Molecular consequence: missense variant.
Genome position (GRCh38, 1-based): chr1:167,518,438, C>A on the plus strand (G>T on the coding strand, the complement: CD247 is on the minus strand). VCF-style: chr1-167518438-C-A. GRCh37 (hg19) VCF-style: chr1-167487675-C-A.
Other names: c.28G>T, p.Ala10Ser (NM_000734.4, NM_001378515.1, NM_001378516.1); short protein forms A10S.
Identifiers: ClinVar variation 1447805 (VCV001447805.5), dbSNP rs753889129, ClinGen allele CA1226143.

ClinVar aggregate classification (germline): Uncertain significance (1 of 4 stars; one submission).

Conditions:
Immunodeficiency 25. Also called: Immunodeficiency due to defect in cd3-zeta, somatic. Identifiers: MedGen C1857798, MONDO:0012426, OMIM 610163.

Allele frequency attached by ClinVar (database versions not stated): gnomAD exomes 0.00001 and 0.00002; TOPMed 0.00001; ExAC 0.00002.
gnomAD v4.1: 6 of 1,614,168 alleles (0.00037%); highest among the groups gnomAD compares: Admixed American, 0.01%; no homozygotes.

Submission:

Labcorp Genetics (formerly Invitae), Labcorp
Classification: Uncertain significance for Immunodeficiency 25. Last evaluated: 2022-10-05. Review status: criteria provided, single submitter. Criteria: Invitae Variant Classification Sherloc (09022015). Collection method: clinical testing. Allele origin: germline.
Comment: This sequence change replaces alanine, which is neutral and non-polar, with serine, which is neutral and polar, at codon 10 of the CD247 protein (p.Ala10Ser). This variant is present in population databases (rs753889129, gnomAD 0.02%). This variant has not been reported in the literature in individuals affected with CD247-related conditions. ClinVar contains an entry for this variant (Variation ID: 1447805). Algorithms developed to predict the effect of missense changes on protein structure and function output the following: SIFT: "Tolerated"; PolyPhen-2: "Benign"; Align-GVGD: "Class C0". The serine amino acid residue is found in multiple mammalian species, which suggests that this missense change does not adversely affect protein function. In summary, the available evidence is currently insufficient to determine the role of this variant in disease. Therefore, it has been classified as a Variant of Uncertain Significance.